The following is an entry in ClinVar:

NM_025144.4(ALPK1):c.3172G>C (p.Glu1058Gln)

Gene: ALPK1 (alpha kinase 1; plus strand). Cytogenetic location: 4q25.
Variant type: single nucleotide variant.
Coding change: c.3172G>C on transcript NM_025144.4 (MANE Select); coding-DNA position 3172, G replaced by C.
Protein change: p.Glu1058Gln; replaces glutamic acid 1058 with glutamine.
Molecular consequence: missense variant.
Genome position (GRCh38, 1-based): chr4:112,435,285, G>C. VCF-style: chr4-112435285-G-C. GRCh37 (hg19) VCF-style: chr4-113356441-G-C.
Other names: c.3172G>C, p.Glu1058Gln (NM_001102406.2); c.2938G>C, p.Glu980Gln (NM_001253884.2); short protein forms E1058Q, E980Q.
Identifiers: ClinVar variation 3113433 (VCV003113433.2), dbSNP rs1236916323, ClinGen allele CA357904704.

ClinVar aggregate classification (germline): Uncertain significance. Review status: criteria provided, multiple submitters, no conflicts (2 of 4 stars). 2 submissions from 2 submitters: Uncertain significance (2). Last evaluated 2025-11-15.

Conditions:
Inborn genetic diseases. Identifiers: MedGen C0950123, MeSH D030342.

Allele frequency attached by ClinVar (database versions not stated): gnomAD 0.00001.
gnomAD v4.1: 11 of 1,609,736 alleles (0.00068%); highest among the groups gnomAD compares: Non-Finnish European, 0.00093%; no homozygotes.

Submissions (2):

Labcorp Genetics (formerly Invitae), Labcorp
Classification: Uncertain significance. Last evaluated: 2025-11-15. Review status: criteria provided, single submitter. Criteria: Invitae Variant Classification Sherloc (09022015). Collection method: clinical testing. Allele origin: germline.
Comment: This sequence change replaces glutamic acid, which is acidic and polar, with glutamine, which is neutral and polar, at codon 1058 of the ALPK1 protein (p.Glu1058Gln). This variant is present in population databases (no rsID available, gnomAD 0.002%). This variant has not been reported in the literature in individuals affected with ALPK1-related conditions. ClinVar contains an entry for this variant (Variation ID: 3113433). Invitae Evidence Modeling of protein sequence and biophysical properties (such as structural, functional, and spatial information, amino acid conservation, physicochemical variation, residue mobility, and thermodynamic stability) indicates that this missense variant is not expected to disrupt ALPK1 protein function with a negative predictive value of 80%. In summary, the available evidence is currently insufficient to determine the role of this variant in disease. Therefore, it has been classified as a Variant of Uncertain Significance.

Ambry Genetics
Classification: Uncertain significance for Inborn genetic diseases. Last evaluated: 2023-10-14. Review status: criteria provided, single submitter. Criteria: Ambry Variant Classification Scheme 2023. Collection method: clinical testing. Allele origin: germline.